The following is an entry in ClinVar:

ClinVar aggregate classification (germline): Likely pathogenic (1 of 4 stars; one submission).

Conditions:
Epileptic encephalopathy. Identifiers: MedGen C0543888, HP:0200134.

Allele frequency attached by ClinVar (database versions not stated): gnomAD exomes below 0.00001; gnomAD 0.00001; TOPMed 0.00001.
gnomAD v4.1: 2 of 1,583,254 alleles (0.00013%); highest among the groups gnomAD compares: Admixed American, 0.0033%; no homozygotes.

Submission:

Labcorp Genetics (formerly Invitae), Labcorp
Classification: Likely pathogenic for Epileptic encephalopathy. Last evaluated: 2025-12-21. Review status: criteria provided, single submitter. Criteria: Invitae Variant Classification Sherloc (09022015). Collection method: clinical testing. Allele origin: germline.
Comment: This sequence change falls in intron 4 of the GABBR2 gene. It does not directly change the encoded amino acid sequence of the GABBR2 protein. It affects a nucleotide within the consensus splice site. The frequency data for this variant in the population databases is considered unreliable, as metrics indicate poor data quality at this position in the gnomAD database. This variant has been observed in individuals with clinical features of early infantile epileptic encephalopathy (internal data). It has also been observed to segregate with disease in related individuals. ClinVar contains an entry for this variant (Variation ID: 856114). Variants that disrupt the consensus splice site are a relatively common cause of aberrant splicing (PMID: 17576681, 9536098). Algorithms developed to predict the effect of sequence changes on RNA splicing suggest that this variant is not likely to affect RNA splicing. In summary, the currently available evidence indicates that the variant is pathogenic, but additional data are needed to prove that conclusively. Therefore, this variant has been classified as Likely Pathogenic.

Literature cited by the submitters: PubMed 17576681; PubMed 9536098.

NM_005458.8(GABBR2):c.732+5G>T

Genes: GABBR2 (gamma-aminobutyric acid type B receptor subunit 2; minus strand), LOC126860700 (CDK7 strongly-dependent group 2 enhancer GRCh37_chr9:101257622-101258821; plus strand). Cytogenetic location: 9q22.33.
Variant type: single nucleotide variant.
Coding change: c.732+5G>T on transcript NM_005458.8 (MANE Select); 5 bases into the intron after coding-DNA position 732, G replaced by T.
Molecular consequence: intron variant.
Genome position (GRCh38, 1-based): chr9:98,496,408, C>A on the plus strand (G>T on the coding strand, the complement: GABBR2 is on the minus strand). VCF-style: chr9-98496408-C-A. GRCh37 (hg19) VCF-style: chr9-101258690-C-A.
Identifiers: ClinVar variation 856114 (VCV000856114.8), dbSNP rs1178244073, ClinGen allele CA589538679.
Genomic context (GRCh38, chr9:98,496,408, plus strand): 5'-GGTAATTTGGGCACCCAGGGCATTGAGATCAGTCTGCCATTCACCCTGTGGCTAGCCACA[C>A]CTACCTTCAGCTTTTTGACACTGGTACAGGGATCGTTGGAGAAGCTCTCGGTGTCTGAAA-3'